The following is an entry in ClinVar:

NM_001177316.2(SLC34A3):c.560+26C>T

Gene: SLC34A3 (solute carrier family 34 member 3; plus strand). Cytogenetic location: 9q34.3.
Variant type: single nucleotide variant.
Coding change: c.560+26C>T on transcript NM_001177316.2 (MANE Select); 26 bases into the intron after coding-DNA position 560, C replaced by T.
Molecular consequence: intron variant.
Genome position (GRCh38, 1-based): chr9:137,233,141, C>T. VCF-style: chr9-137233141-C-T. GRCh37 (hg19) VCF-style: chr9-140127593-C-T.
Other names: c.560+26C>T (NM_001177317.2, NM_080877.3).
Identifiers: ClinVar variation 4984093 (VCV004984093.1).

ClinVar aggregate classification (germline): Likely benign (1 of 4 stars; one submission).

Conditions:
SLC34A3-related disorder. Also called: SLC34A3-related condition.

Submission:

PreventionGenetics, part of Exact Sciences
Classification: Likely benign for SLC34A3-related condition. Last evaluated: 2024-11-09. Review status: criteria provided, single submitter. Criteria: ACMG Guidelines, 2015. Collection method: clinical testing. Allele origin: germline.
Comment: This variant is classified as likely benign based on ACMG/AMP sequence variant interpretation guidelines (Richards et al. 2015 PMID: 25741868, with internal and published modifications).